The following is an entry in ClinVar:

ClinVar aggregate classification (germline): Uncertain significance (1 of 4 stars; one submission).

Submission:

Labcorp Genetics (formerly Invitae), Labcorp
Classification: Uncertain significance. Last evaluated: 2022-06-15. Review status: criteria provided, single submitter. Criteria: Invitae Variant Classification Sherloc (09022015). Collection method: clinical testing. Allele origin: germline.
Comment: In summary, the available evidence is currently insufficient to determine the role of this variant in disease. Therefore, it has been classified as a Variant of Uncertain Significance. Algorithms developed to predict the effect of missense changes on protein structure and function are either unavailable or do not agree on the potential impact of this missense change (SIFT: "Tolerated"; PolyPhen-2: "Probably Damaging"; Align-GVGD: "Class C0"). This variant has not been reported in the literature in individuals affected with A2ML1-related conditions. This variant is present in population databases (no rsID available, gnomAD 0.0009%). This sequence change replaces glycine, which is neutral and non-polar, with arginine, which is basic and polar, at codon 322 of the A2ML1 protein (p.Gly322Arg).

NM_144670.6(A2ML1):c.964G>C (p.Gly322Arg)

Gene: A2ML1 (alpha-2-macroglobulin like 1; plus strand). Cytogenetic location: 12p13.31.
Variant type: single nucleotide variant.
Coding change: c.964G>C on transcript NM_144670.6 (MANE Select); coding-DNA position 964, G replaced by C.
Protein change: p.Gly322Arg; replaces glycine 322 with arginine.
Molecular consequence: missense variant.
Genome position (GRCh38, 1-based): chr12:8,838,444, G>C. VCF-style: chr12-8838444-G-C. GRCh37 (hg19) VCF-style: chr12-8991040-G-C.
Other names: short protein forms G322R.
Identifiers: ClinVar variation 2095307 (VCV002095307.4), dbSNP rs751287968, ClinGen allele CA383823501.